The following is an entry in ClinVar:

ClinVar aggregate classification (germline): Pathogenic. Review status: criteria provided, single submitter (1 of 4 stars). 2 submissions from 2 submitters: Pathogenic (1). 1 of the submissions does not count toward it. Last evaluated 2023-03-24.

Conditions:
Cholestasis-pigmentary retinopathy-cleft palate syndrome (HDKR). Also called: Hardikar Syndrome (HS). Identifiers: Orphanet 1415, MedGen C0795969, MeSH C535632, MONDO:0012997, OMIM 301068.
FG syndrome 1 (OKS). Also called: OPITZ-KAVEGGIA SYNDROME; KELLER SYNDROME; MENTAL RETARDATION, LARGE HEAD, IMPERFORATE ANUS, CONGENITAL HYPOTONIA, AND PARTIAL AGENESIS OF CORPUS CALLOSUM; FG Syndrome Type 1 (FGS1). Identifiers: Orphanet 93932, MedGen C5399762, MONDO:0010590, OMIM 305450.

Submissions (2):

Baylor Genetics
Classification: Pathogenic for Cholestasis-pigmentary retinopathy-cleft palate syndrome. Last evaluated: 2023-03-24. Review status: criteria provided, single submitter. Criteria: ACMG Guidelines, 2015. Collection method: clinical testing. Allele origin: unknown.

GeneReviews
No classification provided. Condition: FG syndrome. Review status: no classification provided. Collection method: literature only. Allele origin: germline. Not counted in ClinVar's aggregate classification.

Literature cited by the submitters: PubMed 33244166 (cited by GeneReviews); PubMed 20301719 (cited by GeneReviews).

NM_005120.3(MED12):c.6169C>T (p.Gln2057Ter)

Gene: MED12 (mediator complex subunit 12; plus strand). Cytogenetic location: Xq13.1.
Variant type: single nucleotide variant.
Coding change: c.6169C>T on transcript NM_005120.3 (MANE Select); coding-DNA position 6169, C replaced by T.
Protein change: p.Gln2057Ter; replaces glutamine 2057 with a stop codon.
Molecular consequence: nonsense.
Genome position (GRCh38, 1-based): chrX:71,140,759, C>T. VCF-style: chrX-71140759-C-T. GRCh37 (hg19) VCF-style: chrX-70360609-C-T.
Other names: short protein forms Q2057*.
Identifiers: ClinVar variation 1210252 (VCV001210252.3), dbSNP rs2147839335, ClinGen allele CA413540083.
Genomic context (GRCh38, chrX:71,140,759, plus strand): 5'-GGCGTCCAGGCAGGCGTCCGTTCAACAGCCATCCTACCTGAGCAGCAGCAGCAGCAGCAA[C>T]AGCAGCAACAGCAACAGCAGCAGCAGCAGCAACAGCAACAGCAGCAGCAGCAGCAGCAGT-3'